The following is an entry in ClinVar:

NM_080476.5(PIGU):c.59T>C (p.Phe20Ser)

Gene: PIGU (phosphatidylinositol glycan anchor biosynthesis class U; minus strand). Cytogenetic location: 20q11.22.
Variant type: single nucleotide variant.
Coding change: c.59T>C on transcript NM_080476.5 (MANE Select); coding-DNA position 59, T replaced by C.
Protein change: p.Phe20Ser; replaces phenylalanine 20 with serine.
Molecular consequence: missense variant.
Genome position (GRCh38, 1-based): chr20:34,677,027, A>G on the plus strand (T>C on the coding strand, the complement: PIGU is on the minus strand). VCF-style: chr20-34677027-A-G. GRCh37 (hg19) VCF-style: chr20-33264831-A-G.
Other names: short protein forms F20S.
Identifiers: ClinVar variation 1438730 (VCV001438730.8), dbSNP rs2146805445, ClinGen allele CA408668930.

ClinVar aggregate classification (germline): Uncertain significance (1 of 4 stars; one submission).

Submission:

Labcorp Genetics (formerly Invitae), Labcorp
Classification: Uncertain significance. Last evaluated: 2024-10-15. Review status: criteria provided, single submitter. Criteria: Invitae Variant Classification Sherloc (09022015). Collection method: clinical testing. Allele origin: germline.
Comment: This sequence change replaces phenylalanine, which is neutral and non-polar, with serine, which is neutral and polar, at codon 20 of the PIGU protein (p.Phe20Ser). This variant is not present in population databases (gnomAD no frequency). This variant has not been reported in the literature in individuals affected with PIGU-related conditions. ClinVar contains an entry for this variant (Variation ID: 1438730). Invitae Evidence Modeling of protein sequence and biophysical properties (such as structural, functional, and spatial information, amino acid conservation, physicochemical variation, residue mobility, and thermodynamic stability) indicates that this missense variant is not expected to disrupt PIGU protein function with a negative predictive value of 80%. In summary, the available evidence is currently insufficient to determine the role of this variant in disease. Therefore, it has been classified as a Variant of Uncertain Significance.